The following is an entry in ClinVar:

NM_006231.4(POLE):c.6226G>C (p.Gly2076Arg)

Gene: POLE (DNA polymerase epsilon, catalytic subunit; minus strand). Cytogenetic location: 12q24.33.
Variant type: single nucleotide variant.
Coding change: c.6226G>C on transcript NM_006231.4 (MANE Select); coding-DNA position 6226, G replaced by C.
Protein change: p.Gly2076Arg; replaces glycine 2076 with arginine.
Molecular consequence: missense variant.
Genome position (GRCh38, 1-based): chr12:132,632,419, C>G on the plus strand (G>C on the coding strand, the complement: POLE is on the minus strand). VCF-style: chr12-132632419-C-G. GRCh37 (hg19) VCF-style: chr12-133209005-C-G.
Other names: short protein forms G2076R.
Identifiers: ClinVar variation 2562947 (VCV002562947.5), dbSNP rs2138460512, ClinGen allele CA387369622.
Genomic context (GRCh38, chr12:132,632,419, plus strand): 5'-GCAAGTGGGAACCGGGGAGGACAGGAAACATCTCTGAGAGCTCAGTGGAGTTCCGAGAGC[C>G]TGTGACTTTCTTCTGAATCTTCTGAGTGATGGTGAAGAAGCTCTGAGTGAGCTCATTTGC-3'
Protein context (NP_006222.2, residues 2066-2086): ITQKIQKKVT[Gly2076Arg]SRNSTELSEM

ClinVar aggregate classification (germline): Uncertain significance. Review status: criteria provided, multiple submitters, no conflicts (2 of 4 stars). 2 submissions from 2 submitters: Uncertain significance (2). Last evaluated 2025-10-03.

Conditions:
Hereditary cancer-predisposing syndrome. Also called: Neoplastic Syndromes, Hereditary; Hereditary Cancer Syndrome; Hereditary neoplastic syndrome; Tumor predisposition. Identifiers: Orphanet 140162, MedGen C0027672, MeSH D009386, MONDO:0015356.

Submissions (2):

Ambry Genetics
Classification: Uncertain significance for Hereditary cancer-predisposing syndrome. Last evaluated: 2025-10-03. Review status: criteria provided, single submitter. Criteria: Ambry Variant Classification Scheme 2023. Collection method: clinical testing. Allele origin: germline.
Comment: The p.G2076R variant (also known as c.6226G>C), located in coding exon 45 of the POLE gene, results from a G to C substitution at nucleotide position 6226. The glycine at codon 2076 is replaced by arginine, an amino acid with dissimilar properties. This amino acid position is conserved. In addition, the in silico prediction for this alteration is inconclusive. Since supporting evidence is limited at this time, the clinical significance of this alteration remains unclear.

Labcorp Genetics (formerly Invitae), Labcorp
Classification: Uncertain significance. Last evaluated: 2024-09-03. Review status: criteria provided, single submitter. Criteria: Invitae Variant Classification Sherloc (09022015). Collection method: clinical testing. Allele origin: germline.
Comment: This sequence change replaces glycine, which is neutral and non-polar, with arginine, which is basic and polar, at codon 2076 of the POLE protein (p.Gly2076Arg). This variant is not present in population databases (gnomAD no frequency). This variant has not been reported in the literature in individuals affected with POLE-related conditions. ClinVar contains an entry for this variant (Variation ID: 2562947). Invitae Evidence Modeling of protein sequence and biophysical properties (such as structural, functional, and spatial information, amino acid conservation, physicochemical variation, residue mobility, and thermodynamic stability) indicates that this missense variant is not expected to disrupt POLE protein function with a negative predictive value of 80%. In summary, the available evidence is currently insufficient to determine the role of this variant in disease. Therefore, it has been classified as a Variant of Uncertain Significance.